The following is an entry in ClinVar:

NM_003865.3(HESX1):c.147C>T (p.Cys49=)

Gene: HESX1 (HESX homeobox 1; minus strand). Cytogenetic location: 3p14.3.
Variant type: single nucleotide variant.
Coding change: c.147C>T on transcript NM_003865.3 (MANE Select); coding-DNA position 147, C replaced by T.
Protein change: p.Cys49=; no amino-acid change (cysteine 49 retained).
Molecular consequence: synonymous variant.
Genome position (GRCh38, 1-based): chr3:57,199,772, G>A on the plus strand (C>T on the coding strand, the complement: HESX1 is on the minus strand). VCF-style: chr3-57199772-G-A. GRCh37 (hg19) VCF-style: chr3-57233800-G-A.
Other names: c.147C>T, p.Cys49= (NM_001376058.1, NM_001376059.1, NM_001376060.1 and 1 more transcripts).
Identifiers: ClinVar variation 2653910 (VCV002653910.24), dbSNP rs916239829, ClinGen allele CA75378755.
Genomic context (GRCh38, chr3:57,199,772, plus strand): 5'-ACACTGTAAATGAAATAACAAAGAATTGAAACAATTAAGCTGTGGCATACCTGATGAGCT[G>A]CAGGTGTCTGCCCAGGGCCTGTGGGGTTTCATTAATGGAACACAGTCTTTCTTCTGGTCC-3'
Protein context (NP_003856.1, residues 39-59): MKPHRPWADT[Cys49=]SSSGKDGNLC

ClinVar aggregate classification (germline): Likely benign (1 of 4 stars; one submission).

Allele frequency attached by ClinVar (database versions not stated): TOPMed below 0.00001; gnomAD 0.00001.
gnomAD v4.1: 2 of 1,613,812 alleles (0.00012%); highest among the groups gnomAD compares: African/African-American, 0.0027%; no homozygotes.

Submission:

CeGaT Center for Human Genetics Tuebingen
Classification: Likely benign. Last evaluated: 2022-04-01. Review status: criteria provided, single submitter. Criteria: CeGaT Center For Human Genetics Tuebingen Variant Classification Criteria Version 2. Collection method: clinical testing. Allele origin: germline. Affected: yes. Observed: 1 variant allele.
Comment: HESX1: BP4, BP7